The following is an entry in ClinVar:

NM_001267550.2(TTN):c.103185A>G (p.Lys34395=)

Genes: TTN (titin; minus strand), TTN-AS1 (TTN antisense RNA 1; plus strand). Cytogenetic location: 2q31.2.
Variant type: single nucleotide variant.
Coding change: c.103185A>G on transcript NM_001267550.2 (MANE Select); coding-DNA position 103185, A replaced by G.
Protein change: p.Lys34395=; no amino-acid change (lysine 34395 retained).
Molecular consequence: synonymous variant.
Genome position (GRCh38, 1-based): chr2:178,533,430, T>C on the plus strand (A>G on the coding strand, the complement: TTN is on the minus strand). VCF-style: chr2-178533430-T-C. GRCh37 (hg19) VCF-style: chr2-179398157-T-C.
Other names: c.98262A>G, p.Lys32754= (NM_001256850.1); c.75990A>G, p.Lys25330= (NM_003319.4); c.95481A>G, p.Lys31827= (NM_133378.4); c.76365A>G, p.Lys25455= (NM_133432.3); c.76566A>G, p.Lys25522= (NM_133437.4).
Identifiers: ClinVar variation 1759676 (VCV001759676.6), dbSNP rs749845705, ClinGen allele CA1985644.

ClinVar aggregate classification (germline): Likely benign. Review status: criteria provided, multiple submitters, no conflicts (2 of 4 stars). 2 submissions from 2 submitters: Likely benign (2). Last evaluated 2026-01-01.

Conditions:
Cardiovascular phenotype. Identifiers: MedGen CN230736.

Allele frequency attached by ClinVar (database versions not stated): gnomAD exomes 0.00001; ExAC 0.00002; gnomAD 0.00002; TOPMed 0.00002.
gnomAD v4.1: 23 of 1,613,780 alleles (0.0014%); highest among the groups gnomAD compares: Non-Finnish European, 0.0019%; no homozygotes.

Submissions (2):

CeGaT Center for Human Genetics Tuebingen
Classification: Likely benign. Last evaluated: 2026-01-01. Review status: criteria provided, single submitter. Criteria: CeGaT Center For Human Genetics Tuebingen Variant Classification Criteria Version 2. Collection method: clinical testing. Allele origin: germline. Affected: yes. Observed: 1 variant allele.
Comment: TTN: BP4

Ambry Genetics
Classification: Likely benign for Cardiovascular phenotype. Last evaluated: 2020-08-05. Review status: criteria provided, single submitter. Criteria: Ambry Variant Classification Scheme 2023. Collection method: clinical testing. Allele origin: germline.